The following is an entry in ClinVar:

ClinVar aggregate classification (germline): Uncertain significance. Review status: criteria provided, multiple submitters, no conflicts (2 of 4 stars). 2 submissions from 2 submitters: Uncertain significance (2). Last evaluated 2025-08-05.

Conditions:
Inborn genetic diseases. Identifiers: MedGen C0950123, MeSH D030342.

Submissions (2):

Ambry Genetics
Classification: Uncertain significance for Inborn genetic diseases. Last evaluated: 2025-08-05. Review status: criteria provided, single submitter. Criteria: Ambry Variant Classification Scheme 2023. Collection method: clinical testing. Allele origin: germline.
Comment: The c.2444_2464del21 (p.H815_S821del) alteration is located in exon 19 (coding exon 17) of the RERE gene. This alteration consists of an in-frame deletion of 21 nucleotides between nucleotide positions c.2444 and c.2464, resulting in the deletion of 7 residues. Based on insufficient or conflicting evidence, the clinical significance of this alteration remains unclear.

GeneDx
Classification: Uncertain significance. Last evaluated: 2025-02-13. Review status: criteria provided, single submitter. Criteria: GeneDx Variant Classification Process June 2021. Collection method: clinical testing. Allele origin: germline. Affected: yes.
Comment: Not observed at significant frequency in large population cohorts (gnomAD); In-frame deletion of 7 amino acid(s) in a non-repeat region; In silico analysis supports a deleterious effect on protein structure/function; Has not been previously published as pathogenic or benign to our knowledge

NM_001042681.2(RERE):c.2444_2464del (p.His815_Ser821del)

Gene: RERE (arginine-glutamic acid dipeptide repeats; minus strand). Cytogenetic location: 1p36.23.
Variant type: Deletion.
Coding change: c.2444_2464del on transcript NM_001042681.2 (MANE Select); coding-DNA positions 2444 to 2464, 21 bases deleted (ATCCCCCGCCGCATCCCTCGC).
Protein change: p.His815_Ser821del.
Molecular consequence: inframe deletion.
Genome position (GRCh38, 1-based): chr1:8,361,043-8,361,063, GCGAGGGATGCGGCGGGGGAT deleted on the plus strand (ATCCCCCGCCGCATCCCTCGC on the coding strand, the reverse complement: RERE is on the minus strand); deleting any 21 consecutive bases within chr1:8,361,043-8,361,066 gives the same sequence; the c. name uses the placement nearest the transcript's 3' end. VCF-style (leftmost placement, unchanged base first): chr1-8361042-GGCGAGGGATGCGGCGGGGGAT-G. GRCh37 (hg19) VCF-style: chr1-8421102-GGCGAGGGATGCGGCGGGGGAT-G.
Other names: c.2444_2464del21 (NM_012102.3); c.782_802del, p.His261_Ser267del (NM_001042682.2); c.2444_2464del, p.His815_Ser821del (NM_012102.4).
Identifiers: ClinVar variation 4075583 (VCV004075583.2).
Genomic context (GRCh38, chr1:8,361,042, plus strand): 5'-GCATGAGAGGGTGCAGAAGGCTGGCCCGCCGACCCAGTCAGAGGCTGCAGCGGGGGATGT[GGCGAGGGATGCGGCGGGGGAT>G]GCGGTGAGGGCGGCCGCTGGGGGTGCAAGGCCGGTGCCTGTTGGATGTGGGTGTGGGGAA-3'